The following is an entry in ClinVar:

ClinVar aggregate classification (germline): Uncertain significance (1 of 4 stars; one submission).

Conditions:
Supravalvar aortic stenosis (SVAS). Also called: Supravalvar aortic stenosis, Eisenberg type. Identifiers: Orphanet 3193, MedGen C0003499, MONDO:0008504, OMIM 185500, HP:0004381.

gnomAD v4.1: 2 of 1,614,134 alleles (0.00012%); highest among the groups gnomAD compares: Non-Finnish European, 0.00017%; no homozygotes.

Submission:

Labcorp Genetics (formerly Invitae), Labcorp
Classification: Uncertain significance for Supravalvar aortic stenosis. Last evaluated: 2025-02-20. Review status: criteria provided, single submitter. Criteria: Invitae Variant Classification Sherloc (09022015). Collection method: clinical testing. Allele origin: germline.
Comment: This sequence change replaces alanine, which is neutral and non-polar, with valine, which is neutral and non-polar, at codon 564 of the ELN protein (p.Ala564Val). This variant is not present in population databases (gnomAD no frequency). This variant has not been reported in the literature in individuals affected with ELN-related conditions. Invitae Evidence Modeling of protein sequence and biophysical properties (such as structural, functional, and spatial information, amino acid conservation, physicochemical variation, residue mobility, and thermodynamic stability) indicates that this missense variant is not expected to disrupt ELN protein function with a negative predictive value of 80%. In summary, the available evidence is currently insufficient to determine the role of this variant in disease. Therefore, it has been classified as a Variant of Uncertain Significance.

NM_000501.4(ELN):c.1604C>T (p.Ala535Val)

Genes: ELN-AS1 (ELN antisense RNA 1; minus strand), ELN (elastin; plus strand). Cytogenetic location: 7q11.23.
Variant type: single nucleotide variant.
Coding change: c.1604C>T on transcript NM_000501.4 (MANE Select); coding-DNA position 1604, C replaced by T.
Protein change: p.Ala535Val; replaces alanine 535 with valine.
Molecular consequence: missense variant. On other transcripts: intron variant (1).
Genome position (GRCh38, 1-based): chr7:74,060,167, C>T. VCF-style: chr7-74060167-C-T. GRCh37 (hg19) VCF-style: chr7-73474497-C-T.
Other names: c.1517C>T, p.Ala506Val (NM_001081752.3); c.1562C>T, p.Ala521Val (NM_001081753.3); c.1619C>T, p.Ala540Val (NM_001081754.3); c.1547C>T, p.Ala516Val (NM_001081755.3); c.1604C>T, p.Ala535Val (NM_001278912.2); c.1361C>T, p.Ala454Val (NM_001278913.2); c.1532C>T, p.Ala511Val (NM_001278914.2); c.1622C>T, p.Ala541Val (NM_001278915.2); and 4 more; short protein forms A511V, A516V, A541V, A454V, A521V, A525V, A540V, A446V.
Identifiers: ClinVar variation 4776762 (VCV004776762.1).